The following is an entry in ClinVar:

ClinVar aggregate classification (germline): Uncertain significance (1 of 4 stars; one submission).

Submission:

GeneDx
Classification: Uncertain significance. Last evaluated: 2024-02-09. Review status: criteria provided, single submitter. Criteria: GeneDx Variant Classification Process June 2021. Collection method: clinical testing. Allele origin: germline. Affected: yes.
Comment: Not observed at significant frequency in large population cohorts (gnomAD); In silico analysis supports that this missense variant does not alter protein structure/function; Has not been previously published as pathogenic or benign to our knowledge

NM_080680.3(COL11A2):c.937G>C (p.Glu313Gln)

Gene: COL11A2 (collagen type XI alpha 2 chain; minus strand). Cytogenetic location: 6p21.32.
Variant type: single nucleotide variant.
Coding change: c.937G>C on transcript NM_080680.3 (MANE Select); coding-DNA position 937, G replaced by C.
Protein change: p.Glu313Gln; replaces glutamic acid 313 with glutamine.
Molecular consequence: missense variant. On other transcripts: intron variant (1).
Genome position (GRCh38, 1-based): chr6:33,184,994, C>G on the plus strand (G>C on the coding strand, the complement: COL11A2 is on the minus strand). VCF-style: chr6-33184994-C-G. GRCh37 (hg19) VCF-style: chr6-33152771-C-G.
Other names: c.937G>C, p.Glu313Gln (NM_001424108.1); c.91G>C, p.Glu31Gln (NM_001424109.1, NM_001424110.1, NM_001424111.1); c.859G>C, p.Glu287Gln (NM_080681.3); c.798+1633G>C (NM_080679.3); short protein forms E287Q, E313Q, E31Q.
Identifiers: ClinVar variation 3368873 (VCV003368873.1).